The following is an entry in ClinVar:

NM_001448.3(GPC4):c.1084A>G (p.Ser362Gly)

Gene: GPC4 (glypican 4; minus strand). Cytogenetic location: Xq26.2.
Variant type: single nucleotide variant.
Coding change: c.1084A>G on transcript NM_001448.3 (MANE Select); coding-DNA position 1084, A replaced by G.
Protein change: p.Ser362Gly; replaces serine 362 with glycine.
Molecular consequence: missense variant.
Genome position (GRCh38, 1-based): chrX:133,305,843, T>C on the plus strand (A>G on the coding strand, the complement: GPC4 is on the minus strand). VCF-style: chrX-133305843-T-C. GRCh37 (hg19) VCF-style: chrX-132439871-T-C.
Other names: short protein forms S362G.
Identifiers: ClinVar variation 3101250 (VCV003101250.3), dbSNP rs761780244, ClinGen allele CA10520397.

ClinVar aggregate classification (germline): Conflicting classifications of pathogenicity. Review status: criteria provided, conflicting classifications (1 of 4 stars). 2 submissions from 2 submitters: Uncertain significance (1); Likely benign (1). Last evaluated 2026-04-01.

Conditions:
Inborn genetic diseases. Identifiers: MedGen C0950123, MeSH D030342.

Allele frequency attached by ClinVar (database versions not stated): ExAC 0.00002; gnomAD exomes 0.00003; gnomAD 0.00005; TOPMed 0.00009.

Submissions (2):

CeGaT Center for Human Genetics Tuebingen
Classification: Likely benign. Last evaluated: 2026-04-01. Review status: criteria provided, single submitter. Criteria: CeGaT Center For Human Genetics Tuebingen Variant Classification Criteria Version 2. Collection method: clinical testing. Allele origin: germline. Affected: yes. Observed: 1 variant allele.
Comment: GPC4: BS2

Ambry Genetics
Classification: Uncertain significance for Inborn genetic diseases. Last evaluated: 2023-11-03. Review status: criteria provided, single submitter. Criteria: Ambry Variant Classification Scheme 2023. Collection method: clinical testing. Allele origin: germline.